The following is an entry in ClinVar:

ClinVar aggregate classification (germline): Uncertain significance (1 of 4 stars; one submission).

Conditions:
Fanconi anemia complementation group J. Also called: BRIP1-Related Fanconi Anemia. Identifiers: Orphanet 84, MedGen C1836860, MONDO:0012187, OMIM 609054.
Familial cancer of breast. Also called: BREAST CANCER, FAMILIAL; hereditary breast carcinoma; Hereditary breast cancer. Identifiers: Orphanet 227535, MedGen C0346153, MONDO:0016419, OMIM 114480. Disease mechanism: loss of function.

Submission:

Labcorp Genetics (formerly Invitae), Labcorp
Classification: Uncertain significance for Familial cancer of breast; Fanconi anemia complementation group J. Last evaluated: 2022-10-05. Review status: criteria provided, single submitter. Criteria: Invitae Variant Classification Sherloc (09022015). Collection method: clinical testing. Allele origin: germline.
Comment: This variant has not been reported in the literature in individuals affected with BRIP1-related conditions. Advanced modeling of protein sequence and biophysical properties (such as structural, functional, and spatial information, amino acid conservation, physicochemical variation, residue mobility, and thermodynamic stability) performed at Invitae indicates that this missense variant is not expected to disrupt BRIP1 protein function. In summary, the available evidence is currently insufficient to determine the role of this variant in disease. Therefore, it has been classified as a Variant of Uncertain Significance. This variant is not present in population databases (gnomAD no frequency). This sequence change replaces glutamine, which is neutral and polar, with lysine, which is basic and polar, at codon 582 of the BRIP1 protein (p.Gln582Lys).

NM_032043.3(BRIP1):c.1744C>A (p.Gln582Lys)

Gene: BRIP1 (BRCA1 interacting DNA helicase 1; minus strand). Cytogenetic location: 17q23.2.
Variant type: single nucleotide variant.
Coding change: c.1744C>A on transcript NM_032043.3 (MANE Select); coding-DNA position 1744, C replaced by A.
Protein change: p.Gln582Lys; replaces glutamine 582 with lysine.
Molecular consequence: missense variant.
Genome position (GRCh38, 1-based): chr17:61,780,890, G>T on the plus strand (C>A on the coding strand, the complement: BRIP1 is on the minus strand). VCF-style: chr17-61780890-G-T. GRCh37 (hg19) VCF-style: chr17-59858251-G-T.
Other names: short protein forms Q582K.
Identifiers: ClinVar variation 2111441 (VCV002111441.4), dbSNP rs2145092515, ClinGen allele CA400480347.